The following is an entry in ClinVar:

ClinVar aggregate classification (germline): Uncertain significance (1 of 4 stars; one submission).

Conditions:
Spastic paraplegia. Identifiers: MedGen C0037772, HP:0001258.

gnomAD v4.1: 1 of 1,613,148 alleles (0.000062%); highest among the groups gnomAD compares: Non-Finnish European, 0.000085%; no homozygotes.

Submission:

Labcorp Genetics (formerly Invitae), Labcorp
Classification: Uncertain significance for Spastic paraplegia. Last evaluated: 2024-03-11. Review status: criteria provided, single submitter. Criteria: Invitae Variant Classification Sherloc (09022015). Collection method: clinical testing. Allele origin: germline.
Comment: This sequence change replaces asparagine, which is neutral and polar, with serine, which is neutral and polar, at codon 199 of the KIF5A protein (p.Asn199Ser). This variant is not present in population databases (gnomAD no frequency). This variant has not been reported in the literature in individuals affected with KIF5A-related conditions. Advanced modeling of protein sequence and biophysical properties (such as structural, functional, and spatial information, amino acid conservation, physicochemical variation, residue mobility, and thermodynamic stability) has been performed at Invitae for this missense variant, however the output from this modeling did not meet the statistical confidence thresholds required to predict the impact of this variant on KIF5A protein function. In summary, the available evidence is currently insufficient to determine the role of this variant in disease. Therefore, it has been classified as a Variant of Uncertain Significance.

NM_004984.4(KIF5A):c.596A>G (p.Asn199Ser)

Gene: KIF5A (kinesin family member 5A; plus strand). Cytogenetic location: 12q13.3.
Variant type: single nucleotide variant.
Coding change: c.596A>G on transcript NM_004984.4 (MANE Select); coding-DNA position 596, A replaced by G.
Protein change: p.Asn199Ser; replaces asparagine 199 with serine.
Molecular consequence: missense variant.
Genome position (GRCh38, 1-based): chr12:57,567,500, A>G. VCF-style: chr12-57567500-A-G. GRCh37 (hg19) VCF-style: chr12-57961283-A-G.
Other names: c.329A>G, p.Asn110Ser (NM_001354705.2); short protein forms N110S, N199S.
Identifiers: ClinVar variation 3637600 (VCV003637600.2).